The following is an entry in ClinVar:

NM_012434.5(SLC17A5):c.338G>A (p.Gly113Asp)

Genes: SLC17A5 (solute carrier family 17 member 5; minus strand), LOC132089454 (Neanderthal introgressed variant-containing enhancer experimental_94412; plus strand). Cytogenetic location: 6q13.
Variant type: single nucleotide variant.
Coding change: c.338G>A on transcript NM_012434.5 (MANE Select); coding-DNA position 338, G replaced by A.
Protein change: p.Gly113Asp; replaces glycine 113 with aspartic acid.
Molecular consequence: missense variant.
Genome position (GRCh38, 1-based): chr6:73,641,878, C>T on the plus strand (G>A on the coding strand, the complement: SLC17A5 is on the minus strand). VCF-style: chr6-73641878-C-T. GRCh37 (hg19) VCF-style: chr6-74351601-C-T.
Other names: c.107G>A, p.Gly36Asp (NM_001382629.1, NM_001382636.1); c.338G>A, p.Gly113Asp (NM_001382630.1, NM_001382632.1, NM_001382633.1 and 2 more transcripts); c.359G>A, p.Gly120Asp (NM_001382631.1); short protein forms G120D, G113D, G36D.
Identifiers: ClinVar variation 953496 (VCV000953496.7), dbSNP rs750771008, ClinGen allele CA3890552.

ClinVar aggregate classification (germline): Uncertain significance (1 of 4 stars; one submission).

Conditions:
Salla disease (SD). Also called: Sialuria, Finnish type; N-acetylneuraminic acid (NANA) storage disease (NSD); Infantile sialic acid storage disorder (ISSD); Less Severe FSASD (Salla Disease). Identifiers: Orphanet 309334, Orphanet 834, MedGen C1096903, MONDO:0011449, OMIM 604369.

Allele frequency attached by ClinVar (database versions not stated): gnomAD exomes below 0.00001 and 0.00001; TOPMed below 0.00001; ExAC 0.00001; gnomAD 0.00001.
gnomAD v4.1: 7 of 1,614,072 alleles (0.00043%); highest among the groups gnomAD compares: Middle Eastern, 0.016%; no homozygotes.

Submission:

Labcorp Genetics (formerly Invitae), Labcorp
Classification: Uncertain significance for Salla disease. Last evaluated: 2021-08-30. Review status: criteria provided, single submitter. Criteria: Invitae Variant Classification Sherloc (09022015). Collection method: clinical testing. Allele origin: germline.
Comment: This sequence change replaces glycine with aspartic acid at codon 113 of the SLC17A5 protein (p.Gly113Asp). The glycine residue is highly conserved and there is a moderate physicochemical difference between glycine and aspartic acid. This variant is present in population databases (rs750771008, ExAC 0.006%). This variant has not been reported in the literature in individuals affected with SLC17A5-related conditions. Algorithms developed to predict the effect of missense changes on protein structure and function (SIFT, PolyPhen-2, Align-GVGD) all suggest that this variant is likely to be disruptive. In summary, the available evidence is currently insufficient to determine the role of this variant in disease. Therefore, it has been classified as a Variant of Uncertain Significance.